The following is an entry in ClinVar:

NM_000155.4(GALT):c.769C>T (p.Pro257Ser)

Gene: GALT (galactose-1-phosphate uridylyltransferase; plus strand). Cytogenetic location: 9p13.3.
Variant type: single nucleotide variant.
Coding change: c.769C>T on transcript NM_000155.4 (MANE Select); coding-DNA position 769, C replaced by T.
Protein change: p.Pro257Ser; replaces proline 257 with serine.
Molecular consequence: missense variant.
Genome position (GRCh38, 1-based): chr9:34,648,843, C>T. VCF-style: chr9-34648843-C-T. GRCh37 (hg19) VCF-style: chr9-34648840-C-T.
Other names: c.442C>T, p.Pro148Ser (NM_001258332.2); short protein forms P148S, P257S.
Identifiers: ClinVar variation 3251887 (VCV003251887.3), dbSNP rs2492872337.

ClinVar aggregate classification (germline): Uncertain significance. Review status: criteria provided, multiple submitters, no conflicts (2 of 4 stars). 2 submissions from 2 submitters: Uncertain significance (2). Last evaluated 2024-11-27.

Conditions:
Deficiency of UDPglucose-hexose-1-phosphate uridylyltransferase. Also called: Transferase Deficiency Galactosemia; GALACTOSEMIA I; GALACTOSE-1-PHOSPHATE URIDYLYLTRANSFERASE DEFICIENCY; GALT deficiency; Galactosemia, classic. Identifiers: Orphanet 352, Orphanet 79239, MedGen C0268151, MONDO:0009258, OMIM 230400.

Allele frequency attached by ClinVar (database versions not stated): gnomAD exomes below 0.00001.

Submissions (2):

Labcorp Genetics (formerly Invitae), Labcorp
Classification: Uncertain significance for Deficiency of UDPglucose-hexose-1-phosphate uridylyltransferase. Last evaluated: 2024-11-27. Review status: criteria provided, single submitter. Criteria: Invitae Variant Classification Sherloc (09022015). Collection method: clinical testing. Allele origin: germline.
Comment: This sequence change replaces proline, which is neutral and non-polar, with serine, which is neutral and polar, at codon 257 of the GALT protein (p.Pro257Ser). This variant is not present in population databases (gnomAD no frequency). This missense change has been observed in individual(s) with a positive newborn screening result for GALT-related disease (internal data). ClinVar contains an entry for this variant (Variation ID: 3251887). Invitae Evidence Modeling of protein sequence and biophysical properties (such as structural, functional, and spatial information, amino acid conservation, physicochemical variation, residue mobility, and thermodynamic stability) indicates that this missense variant is expected to disrupt GALT protein function with a positive predictive value of 95%. This variant disrupts the p.Pro257 amino acid residue in GALT. Other variant(s) that disrupt this residue have been observed in individuals with GALT-related conditions (PMID: 19375122, 22944367), which suggests that this may be a clinically significant amino acid residue. In summary, the available evidence is currently insufficient to determine the role of this variant in disease. Therefore, it has been classified as a Variant of Uncertain Significance.

Women's Health and Genetics/Laboratory Corporation of America, LabCorp
Classification: Uncertain significance. Last evaluated: 2024-04-18. Review status: criteria provided, single submitter. Criteria: LabCorp Variant Classification Summary - May 2015. Collection method: clinical testing. Allele origin: germline.
Comment: Variant summary: GALT c.769C>T (p.Pro257Ser) results in a non-conservative amino acid change located in the Galactose-1-phosphate uridyl transferase, C-terminal domain (IPR005850) of the encoded protein sequence. Four of five in-silico tools predict a damaging effect of the variant on protein function. The variant was absent in 250896 control chromosomes. The available data on variant occurrences in the general population are insufficient to allow any conclusion about variant significance. To our knowledge, no occurrence of c.769C>T in individuals affected with Galactosemia and no experimental evidence demonstrating its impact on protein function have been reported. No submitters have cited clinical-significance assessments for this variant to ClinVar. Based on the evidence outlined above, the variant was classified as uncertain significance.

Literature cited by the submitters: PubMed 19375122 (cited by Labcorp Genetics (formerly Invitae), Labcorp); PubMed 22944367 (cited by Labcorp Genetics (formerly Invitae), Labcorp).